The following is an entry in ClinVar:

ClinVar aggregate classification (germline): Likely benign (1 of 4 stars; one submission).

gnomAD v4.1: 3 of 1,612,096 alleles (0.00019%); highest among the groups gnomAD compares: Admixed American, 0.0033%; no homozygotes.

Submission:

CeGaT Center for Human Genetics Tuebingen
Classification: Likely benign. Last evaluated: 2025-09-01. Review status: criteria provided, single submitter. Criteria: CeGaT Center For Human Genetics Tuebingen Variant Classification Criteria Version 2. Collection method: clinical testing. Allele origin: germline. Affected: yes. Observed: 1 variant allele.
Comment: LONP1: BP4, BP7

NM_004793.4(LONP1):c.2571C>G (p.Gly857=)

Gene: LONP1 (lon peptidase 1, mitochondrial; minus strand). Cytogenetic location: 19p13.3.
Variant type: single nucleotide variant.
Coding change: c.2571C>G on transcript NM_004793.4 (MANE Select); coding-DNA position 2571, C replaced by G.
Protein change: p.Gly857=; no amino-acid change (glycine 857 retained).
Molecular consequence: synonymous variant. On other transcripts: non-coding transcript variant (1).
Genome position (GRCh38, 1-based): chr19:5,693,430, G>C on the plus strand (C>G on the coding strand, the complement: LONP1 is on the minus strand). VCF-style: chr19-5693430-G-C. GRCh37 (hg19) VCF-style: chr19-5693441-G-C.
Other names: c.2379C>G, p.Gly793= (NM_001276479.2); c.1983C>G, p.Gly661= (NM_001276480.1).
Identifiers: ClinVar variation 4280909 (VCV004280909.7).
Genomic context (GRCh38, chr19:5,693,430, plus strand): 5'-CAGATTCTGCCGGACAGGCCTGCCCATGGCCAGGGACAGCAGGGCCGTGACGATGGTGCA[G>C]CCTGCGCTTGGGCCGTCCTTGGGGGTGGCGCCCTGTGGAGGCATGTGGGGATAGTGGGTG-3'
Protein context (NP_004784.2, residues 847-867): GATPKDGPSA[Gly857=]CTIVTALLSL